The following is an entry in ClinVar:

ClinVar aggregate classification (germline): Likely benign. Review status: criteria provided, multiple submitters, no conflicts (2 of 4 stars). 2 submissions from 2 submitters: Likely benign (2). Last evaluated 2025-02-04.

Conditions:
SCO2-related disorder. Also called: SCO2-related condition.

Allele frequency attached by ClinVar (database versions not stated): gnomAD 0.00001 and 0.00003; ExAC 0.00002; gnomAD exomes 0.00003; TOPMed 0.00004.
gnomAD v4.1: 51 of 1,613,576 alleles (0.0032%); highest among the groups gnomAD compares: Non-Finnish European, 0.0042%; no homozygotes.

Submissions (2):

Labcorp Genetics (formerly Invitae), Labcorp
Classification: Likely benign. Last evaluated: 2025-02-04. Review status: criteria provided, single submitter. Criteria: Invitae Variant Classification Sherloc (09022015). Collection method: clinical testing. Allele origin: germline.

PreventionGenetics, part of Exact Sciences
Classification: Likely benign for SCO2-related condition. Last evaluated: 2024-12-18. Review status: criteria provided, single submitter. Criteria: ACMG Guidelines, 2015. Collection method: clinical testing. Allele origin: germline.
Comment: This variant is classified as likely benign based on ACMG/AMP sequence variant interpretation guidelines (Richards et al. 2015 PMID: 25741868, with internal and published modifications).

NM_005138.3(SCO2):c.507C>T (p.Pro169=)

Genes: NCAPH2 (non-SMC condensin II complex subunit H2; plus strand), SCO2 (synthesis of cytochrome C oxidase 2; minus strand). Cytogenetic location: 22q13.33.
Variant type: single nucleotide variant.
Coding change: c.507C>T on transcript NM_005138.3 (MANE Select); coding-DNA position 507, C replaced by T.
Protein change: p.Pro169=; no amino-acid change (proline 169 retained).
Molecular consequence: synonymous variant. On other transcripts: 3 prime UTR variant (2).
Genome position (GRCh38, 1-based): chr22:50,523,905, G>A on the plus strand (C>T on the coding strand, the complement: SCO2 is on the minus strand). VCF-style: chr22-50523905-G-A. GRCh37 (hg19) VCF-style: chr22-50962334-G-A.
Other names: c.*530G>A (NM_001185011.2, NM_152299.4); c.507C>T, p.Pro169= (NM_001169109.2, NM_001169110.1, NM_001169111.2); c.507C>T (NM_005138.2).
Identifiers: ClinVar variation 1575507 (VCV001575507.9), dbSNP rs761546260, ClinGen allele CA10321188.
Genomic context (GRCh38, chr22:50,523,905, plus strand): 5'-CAACAGTCTTGGGTGGAAGTCCTGGACGTAGCGGGCCATGGCTTCAACGTCGTCCCGCTC[G>A]GGGTCCACAGTGATGAAGACAGGCTGCACTGGAGGCAAACCAGGCTCTGCTTCCAGCTGC-3'
Protein context (NP_005129.2, residues 159-179): PVQPVFITVD[Pro169=]ERDDVEAMAR